The following is an entry in ClinVar:

ClinVar aggregate classification (germline): Uncertain significance (1 of 4 stars; one submission).

Conditions:
Myopathy with tubular aggregates (TAM). Also called: Tubular Aggregate Myopathy. Identifiers: Orphanet 2593, MedGen C0410207, MONDO:0008051.
Combined immunodeficiency due to STIM1 deficiency. Also called: STIM1 DEFICIENCY; IMMUNODEFICIENCY 10. Identifiers: Orphanet 169090, Orphanet 317430, MedGen C2748557, MONDO:0013008, OMIM 612783.
Stormorken syndrome (STRMK). Also called: THROMBOCYTOPATHY, ASPLENIA, AND MIOSIS. Identifiers: Orphanet 3204, MedGen C1861451, MONDO:0008497, OMIM 185070.

Allele frequency attached by ClinVar (database versions not stated): gnomAD exomes 0.00002 and 0.00001; gnomAD 0.00002; TOPMed 0.00003; ExAC 0.00002.
gnomAD v4.1: 18 of 1,614,120 alleles (0.0011%); highest among the groups gnomAD compares: East Asian, 0.0045%; no homozygotes.

Submission:

Labcorp Genetics (formerly Invitae), Labcorp
Classification: Uncertain significance for Myopathy with tubular aggregates; Combined immunodeficiency due to STIM1 deficiency; Stormorken syndrome. Last evaluated: 2025-05-12. Review status: criteria provided, single submitter. Criteria: Invitae Variant Classification Sherloc (09022015). Collection method: clinical testing. Allele origin: germline.
Comment: This sequence change replaces asparagine, which is neutral and polar, with serine, which is neutral and polar, at codon 80 of the STIM1 protein (p.Asn80Ser). This variant is present in population databases (rs748277951, gnomAD 0.02%). This variant has not been reported in the literature in individuals affected with STIM1-related conditions. ClinVar contains an entry for this variant (Variation ID: 849947). Invitae Evidence Modeling of protein sequence and biophysical properties (such as structural, functional, and spatial information, amino acid conservation, physicochemical variation, residue mobility, and thermodynamic stability) has been performed for this missense variant. However, the output from this modeling did not meet the statistical confidence thresholds required to predict the impact of this variant on STIM1 protein function. This variant disrupts the p.Asn80 amino acid residue in STIM1. Other variant(s) that disrupt this residue have been determined to be pathogenic (PMID: 25326555). This suggests that this residue is clinically significant, and that variants that disrupt this residue are likely to be disease-causing. In summary, the available evidence is currently insufficient to determine the role of this variant in disease. Therefore, it has been classified as a Variant of Uncertain Significance.

Literature cited by the submitters: PubMed 25326555.

NM_001382567.1(STIM1):c.239A>G (p.Asn80Ser)

Gene: STIM1 (stromal interaction molecule 1; plus strand). Cytogenetic location: 11p15.4.
Variant type: single nucleotide variant.
Coding change: c.239A>G on transcript NM_001382567.1 (MANE Select); coding-DNA position 239, A replaced by G.
Protein change: p.Asn80Ser; replaces asparagine 80 with serine.
Molecular consequence: missense variant. On other transcripts: non-coding transcript variant (3), intron variant (4).
Genome position (GRCh38, 1-based): chr11:3,967,651, A>G. VCF-style: chr11-3967651-A-G. GRCh37 (hg19) VCF-style: chr11-3988881-A-G.
Other names: c.239A>G, p.Asn80Ser (NM_001277961.3, NM_001277962.2, NM_001382568.1 and 3 more transcripts); c.17A>G, p.Asn6Ser (NM_001382566.1, NM_001382573.1, NM_001382574.1 and 5 more transcripts); c.-219-56222A>G (NM_001382580.1, NM_001382581.1); c.136-56222A>G (NM_001382569.1); c.-98-56222A>G (NM_001382571.1); short protein forms N80S, N6S.
Identifiers: ClinVar variation 849947 (VCV000849947.8), dbSNP rs748277951, ClinGen allele CA5830160.